The following is an entry in ClinVar:

ClinVar aggregate classification (germline): Uncertain significance (1 of 4 stars; one submission).

Conditions:
Immunodeficiency, common variable, 2 (CVID2). Also called: ANTIBODY DEFICIENCY DUE TO TACI DEFECT; HYPOGAMMAGLOBULINEMIA DUE TO TACI DEFICIENCY. Identifiers: Orphanet 1572, MedGen C3150354, MONDO:0009413, OMIM 240500.

Allele frequency attached by ClinVar (database versions not stated): ExAC 0.00032; gnomAD 0.00006 and 0.00007; TOPMed 0.00007; gnomAD exomes 0.00015 and 0.00023.
gnomAD v4.1: 236 of 1,614,044 alleles (0.015%); highest among the groups gnomAD compares: Admixed American, 0.027%; no homozygotes.

Submission:

Labcorp Genetics (formerly Invitae), Labcorp
Classification: Uncertain significance for Immunodeficiency, common variable, 2. Last evaluated: 2024-01-19. Review status: criteria provided, single submitter. Criteria: Invitae Variant Classification Sherloc (09022015). Collection method: clinical testing. Allele origin: germline.
Comment: This sequence change replaces arginine, which is basic and polar, with tryptophan, which is neutral and slightly polar, at codon 122 of the TNFRSF13B protein (p.Arg122Trp). This variant is present in population databases (rs201124889, gnomAD 0.04%). This missense change has been observed in individual(s) with common variable immunodeficiency (CVID) and IgA deficiency (PMID: 17392797). ClinVar contains an entry for this variant (Variation ID: 577737). Advanced modeling of protein sequence and biophysical properties (such as structural, functional, and spatial information, amino acid conservation, physicochemical variation, residue mobility, and thermodynamic stability) has been performed at Invitae for this missense variant, however the output from this modeling did not meet the statistical confidence thresholds required to predict the impact of this variant on TNFRSF13B protein function. In summary, the available evidence is currently insufficient to determine the role of this variant in disease. Therefore, it has been classified as a Variant of Uncertain Significance.

Literature cited by the submitters: PubMed 17392797.

NM_012452.3(TNFRSF13B):c.364C>T (p.Arg122Trp)

Gene: TNFRSF13B (TNF receptor superfamily member 13B; minus strand). Cytogenetic location: 17p11.2.
Variant type: single nucleotide variant.
Coding change: c.364C>T on transcript NM_012452.3 (MANE Select); coding-DNA position 364, C replaced by T.
Protein change: p.Arg122Trp; replaces arginine 122 with tryptophan.
Molecular consequence: missense variant.
Genome position (GRCh38, 1-based): chr17:16,948,819, G>A on the plus strand (C>T on the coding strand, the complement: TNFRSF13B is on the minus strand). VCF-style: chr17-16948819-G-A. GRCh37 (hg19) VCF-style: chr17-16852133-G-A.
Other names: short protein forms R122W.
Identifiers: ClinVar variation 577737 (VCV000577737.5), dbSNP rs201124889, ClinGen allele CA8414028.
Genomic context (GRCh38, chr17:16,948,819, plus strand): 5'-TGTGCTCCAATCCTTGGTACCTTCCCGAGTTGTCTGAATTGTTTTCAACTTCTCCACTCC[G>A]CTGTCTCCTGAGCTCTGGTGGAAGGTTCACTGGGCTCCTGAGCTTGTTCTCACAGAAGTA-3'
Protein context (NP_036584.1, residues 112-132): VNLPPELRRQ[Arg122Trp]SGEVENNSDN